The following is an entry in ClinVar:

NM_000528.4(MAN2B1):c.2140T>C (p.Trp714Arg)

Gene: MAN2B1 (mannosidase alpha class 2B member 1; minus strand). Cytogenetic location: 19p13.13.
Variant type: single nucleotide variant.
Coding change: c.2140T>C on transcript NM_000528.4 (MANE Select); coding-DNA position 2140, T replaced by C.
Protein change: p.Trp714Arg; replaces tryptophan 714 with arginine.
Molecular consequence: missense variant.
Genome position (GRCh38, 1-based): chr19:12,650,129, A>G on the plus strand (T>C on the coding strand, the complement: MAN2B1 is on the minus strand). VCF-style: chr19-12650129-A-G. GRCh37 (hg19) VCF-style: chr19-12760943-A-G.
Other names: c.2137T>C, p.Trp713Arg (NM_001173498.2); short protein forms W714R, W713R.
Identifiers: ClinVar variation 208284 (VCV000208284.22), dbSNP rs864621993, ClinGen allele CA350952.

ClinVar aggregate classification (germline): Likely pathogenic. Review status: criteria provided, multiple submitters, no conflicts (2 of 4 stars). 8 submissions from 8 submitters: Likely pathogenic (7). 1 of the submissions does not count toward it. Last evaluated 2026-02-10.

Conditions:
MAN2B1-related disorder. Also called: MAN2B1-related condition.
Deficiency of alpha-mannosidase (MANSA). Also called: Alpha-Mannosidosis; Mannosidosis, alpha-, types I and II; LYSOSOMAL ALPHA-D-MANNOSIDASE DEFICIENCY. Identifiers: Orphanet 61, MedGen C0024748, MONDO:0009561, OMIM 248500.

Allele frequency attached by ClinVar (database versions not stated): gnomAD exomes 0.00001; TOPMed 0.00001; gnomAD 0.00002.
gnomAD v4.1: 7 of 1,613,646 alleles (0.00043%); highest among the groups gnomAD compares: Non-Finnish European, 0.00059%; no homozygotes.

Submissions (8):

GeneDx
Classification: Likely pathogenic. Last evaluated: 2026-02-10. Review status: criteria provided, single submitter. Criteria: GeneDx Variant Classification Process June 2021. Collection method: clinical testing. Allele origin: germline.
Comment: Published functional studies suggest this variant is associated with decreased enzyme activity as is it retained in the endoplasmic reticulum (PMID: 15035660); Not observed at significant frequency in large population cohorts (gnomAD); In silico analysis supports that this missense variant has a deleterious effect on protein structure/function; This variant is associated with the following publications: (PMID: 19958498, 9915946, 22161967, 15035660)

Natera, Inc.
Classification: Likely pathogenic for Alpha-mannosidosis. Last evaluated: 2024-10-22. Review status: criteria provided, single submitter. Criteria: Natera Variant Classification Schema (03/2026). Collection method: clinical testing. Allele origin: germline.
Comment: The c.2140T>C variant in MAN2B1 is a missense variant predicted to cause substitution of tryptophan to arginine at amino acid 714. This variant is rare in the general population with a frequency below the threshold expected for the associated phenotype(s). This variant has been observed in one or more individuals affected with the associated recessive disease, as either homozygous or compound heterozygous with a second variant (PMID: 22161967). Functional studies show that this variant may disrupt protein function (PMID: 15035660). Computational prediction algorithms indicate this variant is likely to affect gene or protein function. Given the available evidence, this variant is classified as Likely Pathogenic.

Fulgent Genetics
Classification: Likely pathogenic for Deficiency of alpha-mannosidase. Last evaluated: 2024-04-05. Review status: criteria provided, single submitter. Criteria: ACMG Guidelines, 2015. Collection method: clinical testing. Allele origin: germline.

Women's Health and Genetics/Laboratory Corporation of America, LabCorp
Classification: Likely pathogenic for Deficiency of alpha-mannosidase. Last evaluated: 2024-04-04. Review status: criteria provided, single submitter. Criteria: LabCorp Variant Classification Summary - May 2015. Collection method: clinical testing. Allele origin: germline.
Comment: Variant summary: MAN2B1 c.2140T>C (p.Trp714Arg) results in a non-conservative amino acid change located in the Glycosyl hydrolase family 38, C-terminal (IPR011682) of the encoded protein sequence. Five of five in-silico tools predict a damaging effect of the variant on protein function. The variant was absent in 251456 control chromosomes. c.2140T>C has been reported in the literature in individuals affected with Alpha-Mannosidosis (Berg_1999, Riise_2012). These data indicate that the variant is likely to be associated with disease. At least one publication reports experimental evidence evaluating an impact on protein function demonstrating defective protein transport and activity (Hansen_2004). ClinVar contains an entry for this variant (Variation ID: 208284). Based on the evidence outlined above, the variant was classified as likely pathogenic.

Labcorp Genetics (formerly Invitae), Labcorp
Classification: Likely pathogenic for Deficiency of alpha-mannosidase. Last evaluated: 2024-02-25. Review status: criteria provided, single submitter. Criteria: Invitae Variant Classification Sherloc (09022015). Collection method: clinical testing. Allele origin: germline.
Comment: This sequence change replaces tryptophan, which is neutral and slightly polar, with arginine, which is basic and polar, at codon 714 of the MAN2B1 protein (p.Trp714Arg). This variant is not present in population databases (gnomAD no frequency). This missense change has been observed in individual(s) with alpha-mannosidosis (PMID: 9915946, 22161967). ClinVar contains an entry for this variant (Variation ID: 208284). Advanced modeling of protein sequence and biophysical properties (such as structural, functional, and spatial information, amino acid conservation, physicochemical variation, residue mobility, and thermodynamic stability) has been performed at Invitae for this missense variant, however the output from this modeling did not meet the statistical confidence thresholds required to predict the impact of this variant on MAN2B1 protein function. Experimental studies have shown that this missense change affects MAN2B1 function (PMID: 15035660). In summary, the currently available evidence indicates that the variant is pathogenic, but additional data are needed to prove that conclusively. Therefore, this variant has been classified as Likely Pathogenic.

Blueprint Genetics
Classification: Likely pathogenic for MAN2B1-related disorders. Last evaluated: 2022-11-16. Review status: criteria provided, single submitter. Criteria: ACMG Guidelines, 2015. Collection method: clinical testing. Allele origin: germline. Affected: yes. Observed: 2 variant alleles.

Myriad Genetics, Inc.
Classification: Likely pathogenic for Deficiency of alpha-mannosidase. Last evaluated: 2021-11-10. Review status: criteria provided, single submitter. Criteria: Myriad Women's Health Autosomal Recessive and X-Linked Classification Criteria (2021). Collection method: clinical testing. Allele origin: unknown.
Comment: NM_000528.3(MAN2B1):c.2140T>C(W714R) is a missense variant classified as likely pathogenic in the context of alpha-mannosidosis. W714R has been observed in cases with relevant disease (PMID: 9915946, 22161967). Functional assessments of this variant are available in the literature (PMID: 15035660). Internal structural analysis of the variant is supportive of pathogenicity. W714R has been observed in population frequency databases (gnomAD: NFE 0.01%). In summary, NM_000528.3(MAN2B1):c.2140T>C(W714R) is a missense variant that has both functional and internal structural support for pathogenicity and has been observed more frequently in cases with the relevant disease than in healthy populations. Please note: this variant was assessed in the context of healthy population screening.

ClinVar Staff, National Center for Biotechnology Information (NCBI)
Classification: Uncertain significance for Deficiency of alpha-mannosidase. Last evaluated: 2012-06-07. Review status: no assertion criteria provided. Collection method: literature only. Allele origin: germline. Affected: yes. Not counted in ClinVar's aggregate classification.

Literature cited by the submitters: PubMed 22161967 (cited by 4 submitters); PubMed 15035660 (cited by 4 submitters); PubMed 9915946 (cited by 4 submitters).